The following is an entry in ClinVar:

ClinVar aggregate classification (germline): Pathogenic (0 of 4 stars; one submission).

Conditions:
Coffin-Siris syndrome 6. Identifiers: MedGen C4540499, MONDO:0033492, OMIM 617808.

Submission:

Laboratoire de Cytogenomique, Chu Angers
Classification: Pathogenic for Coffin-Siris syndrome 6. Last evaluated: 2024-12-13. Review status: no assertion criteria provided. Collection method: clinical testing. Allele origin: unknown. Inheritance: Autosomal dominant inheritance. Affected: yes. Observed: 1 heterozygote.
Comment: Demonstration of a 60 kb interstitial deletion by genome sequencing encompassing exons 1 to 3 of ARID2 (*609539), associated with Coffin-Siris syndrome 6 (#617808). This rearrangement is absent from the population databases consulted (DGV, gnomAD v4). ARID2 is known to be haploinsufficient, with a LOEUF score of 0.22 and a pLI score of 1.00.

GRCh38/hg38 12q12(chr12:45690000-45750000)x1

Genes: ARID2 (AT-rich interaction domain 2; plus strand), LINC00938 (long intergenic non-protein coding RNA 938; minus strand), LOC130007727 (ATAC-STARR-seq lymphoblastoid silent region 4375; plus strand), LOC130007728 (ATAC-STARR-seq lymphoblastoid silent region 4376; plus strand). Cytogenetic location: 12q12.
Variant type: copy number loss.
Change: copy number 1 (one copy instead of two) of chr12:45,690,000-45,750,000 (60.0 kb, GRCh38 coordinates, 1-based), cytogenetic band 12q12.
Identifiers: ClinVar variation 3390358 (VCV003390358.2).